The following is an entry in ClinVar:

ClinVar aggregate classification (germline): Uncertain significance (1 of 4 stars; one submission).

gnomAD v4.1: 9 of 1,614,172 alleles (0.00056%); highest among the groups gnomAD compares: South Asian, 0.0088%; no homozygotes.

Submission:

GeneDx
Classification: Uncertain significance. Last evaluated: 2023-07-27. Review status: criteria provided, single submitter. Criteria: GeneDx Variant Classification Process June 2021. Collection method: clinical testing. Allele origin: germline. Affected: yes.
Comment: In silico analysis supports that this missense variant does not alter protein structure/function; Has not been previously published as pathogenic or benign to our knowledge

NM_004525.3(LRP2):c.10708A>G (p.Thr3570Ala)

Gene: LRP2 (LDL receptor related protein 2; minus strand). Cytogenetic location: 2q31.1.
Variant type: single nucleotide variant.
Coding change: c.10708A>G on transcript NM_004525.3 (MANE Select); coding-DNA position 10708, A replaced by G.
Protein change: p.Thr3570Ala; replaces threonine 3570 with alanine.
Molecular consequence: missense variant.
Genome position (GRCh38, 1-based): chr2:169,175,253, T>C on the plus strand (A>G on the coding strand, the complement: LRP2 is on the minus strand). VCF-style: chr2-169175253-T-C. GRCh37 (hg19) VCF-style: chr2-170031763-T-C.
Other names: short protein forms T3570A.
Identifiers: ClinVar variation 3361844 (VCV003361844.1).